The following is an entry in ClinVar:

NM_213599.3(ANO5):c.1086T>A (p.Tyr362Ter)

Gene: ANO5 (anoctamin 5; plus strand). Cytogenetic location: 11p14.3.
Variant type: single nucleotide variant.
Coding change: c.1086T>A on transcript NM_213599.3 (MANE Select); coding-DNA position 1086, T replaced by A.
Protein change: p.Tyr362Ter; replaces tyrosine 362 with a stop codon.
Molecular consequence: nonsense.
Genome position (GRCh38, 1-based): chr11:22,250,813, T>A. VCF-style: chr11-22250813-T-A. GRCh37 (hg19) VCF-style: chr11-22272359-T-A.
Other names: c.1083T>A, p.Tyr361Ter (NM_001142649.2); short protein forms Y361*, Y362*.
Identifiers: ClinVar variation 1323234 (VCV001323234.6), dbSNP rs139639078, ClinGen allele CA379921105.

ClinVar aggregate classification (germline): Pathogenic. Review status: criteria provided, multiple submitters, no conflicts (2 of 4 stars). 2 submissions from 2 submitters: Pathogenic (2). Last evaluated 2024-09-29.

Conditions:
Autosomal recessive limb-girdle muscular dystrophy type 2L (LGMDR12). Also called: Limb-girdle muscular dystrophy, type 2L; MUSCULAR DYSTROPHY, LIMB-GIRDLE, AUTOSOMAL RECESSIVE 12; Limb-Girdle Muscular Dystrophy R12 Anoctamin-5-Related (LGMD-R12). Identifiers: Orphanet 206549, MedGen C1969785, MONDO:0012652, OMIM 611307.
Gnathodiaphyseal dysplasia (GDD). Also called: GNATHODIAPHYSEAL SCLEROSIS; OSTEOGENESIS IMPERFECTA WITH UNUSUAL SKELETAL LESIONS. Identifiers: Orphanet 53697, MedGen C1833736, MONDO:0008151, OMIM 166260.

Submissions (2):

Labcorp Genetics (formerly Invitae), Labcorp
Classification: Pathogenic for Autosomal recessive limb-girdle muscular dystrophy type 2L; Gnathodiaphyseal dysplasia. Last evaluated: 2024-09-29. Review status: criteria provided, single submitter. Criteria: Invitae Variant Classification Sherloc (09022015). Collection method: clinical testing. Allele origin: germline.
Comment: This sequence change creates a premature translational stop signal (p.Tyr362*) in the ANO5 gene. It is expected to result in an absent or disrupted protein product. Loss-of-function variants in ANO5 are known to be pathogenic (PMID: 21186264, 23606453, 25891276, 30919934). This variant is not present in population databases (gnomAD no frequency). This variant has not been reported in the literature in individuals affected with ANO5-related conditions. ClinVar contains an entry for this variant (Variation ID: 1323234). For these reasons, this variant has been classified as Pathogenic.

Revvity Omics, Revvity
Classification: Pathogenic. Last evaluated: 2021-11-26. Review status: criteria provided, single submitter. Criteria: ACMG Guidelines, 2015. Collection method: clinical testing. Allele origin: germline.

Literature cited by the submitters: PubMed 21186264 (cited by Labcorp Genetics (formerly Invitae), Labcorp); PubMed 23606453 (cited by Labcorp Genetics (formerly Invitae), Labcorp); PubMed 25891276 (cited by Labcorp Genetics (formerly Invitae), Labcorp); PubMed 30919934 (cited by Labcorp Genetics (formerly Invitae), Labcorp).